The following is an entry in ClinVar:

NM_003664.5(AP3B1):c.976A>G (p.Ile326Val)

Gene: AP3B1 (adaptor related protein complex 3 subunit beta 1; minus strand). Cytogenetic location: 5q14.1.
Variant type: single nucleotide variant.
Coding change: c.976A>G on transcript NM_003664.5 (MANE Select); coding-DNA position 976, A replaced by G.
Protein change: p.Ile326Val; replaces isoleucine 326 with valine.
Molecular consequence: missense variant.
Genome position (GRCh38, 1-based): chr5:78,177,403, T>C on the plus strand (A>G on the coding strand, the complement: AP3B1 is on the minus strand). VCF-style: chr5-78177403-T-C. GRCh37 (hg19) VCF-style: chr5-77473227-T-C.
Other names: c.829A>G, p.Ile277Val (NM_001271769.2); c.976A>G (NM_003664.3); short protein forms I326V, I277V.
Identifiers: ClinVar variation 354244 (VCV000354244.7), dbSNP rs758789954, ClinGen allele CA3317241.

ClinVar aggregate classification (germline): Uncertain significance. Review status: criteria provided, multiple submitters, no conflicts (2 of 4 stars). 3 submissions from 3 submitters: Uncertain significance (3). Last evaluated 2025-07-14.

Conditions:
Inborn genetic diseases. Identifiers: MedGen C0950123, MeSH D030342.
Hermansky-Pudlak syndrome 2 (HPS2). Also called: Platelet defects and oculocutaneous albinism. Identifiers: Orphanet 183678, Orphanet 79430, MedGen C1842362, MONDO:0011997, OMIM 608233.

Allele frequency attached by ClinVar (database versions not stated): gnomAD exomes below 0.00001 and 0.00001; ExAC 0.00001; TOPMed 0.00001.
gnomAD v4.1: 16 of 1,614,000 alleles (0.00099%); highest among the groups gnomAD compares: Non-Finnish European, 0.0014%; no homozygotes.

Submissions (3):

Labcorp Genetics (formerly Invitae), Labcorp
Classification: Uncertain significance for Hermansky-Pudlak syndrome 2. Last evaluated: 2025-07-14. Review status: criteria provided, single submitter. Criteria: Invitae Variant Classification Sherloc (09022015). Collection method: clinical testing. Allele origin: germline.
Comment: This sequence change replaces isoleucine, which is neutral and non-polar, with valine, which is neutral and non-polar, at codon 326 of the AP3B1 protein (p.Ile326Val). This variant is present in population databases (rs758789954, gnomAD 0.0009%). This variant has not been reported in the literature in individuals affected with AP3B1-related conditions. ClinVar contains an entry for this variant (Variation ID: 354244). An algorithm developed to predict the effect of missense changes on protein structure and function (PolyPhen-2) suggests that this variant is likely to be tolerated. In summary, the available evidence is currently insufficient to determine the role of this variant in disease. Therefore, it has been classified as a Variant of Uncertain Significance.

Ambry Genetics
Classification: Uncertain significance for Inborn genetic diseases. Last evaluated: 2025-01-24. Review status: criteria provided, single submitter. Criteria: Ambry Variant Classification Scheme 2023. Collection method: clinical testing. Allele origin: germline.

Illumina Laboratory Services, Illumina
Classification: Uncertain significance for Hermansky-Pudlak syndrome 2. Last evaluated: 2018-01-13. Review status: criteria provided, single submitter. Criteria: ICSL Variant Classification Criteria 13 December 2019. Collection method: clinical testing. Allele origin: germline.